The following is an entry in ClinVar:

ClinVar aggregate classification (germline): Uncertain significance (1 of 4 stars; one submission).

Conditions:
Duchenne muscular dystrophy (DMD). Also called: Duchenne Muscular Dystrophy (DMD); MUSCULAR DYSTROPHY, PSEUDOHYPERTROPHIC PROGRESSIVE, DUCHENNE TYPE. Identifiers: Orphanet 98896, MedGen C0013264, MONDO:0010679, OMIM 310200.

Submission:

Labcorp Genetics (formerly Invitae), Labcorp
Classification: Uncertain significance for Duchenne muscular dystrophy. Last evaluated: 2026-01-21. Review status: criteria provided, single submitter. Criteria: Invitae Variant Classification Sherloc (09022015). Collection method: clinical testing. Allele origin: germline.
Comment: This sequence change replaces isoleucine, which is neutral and non-polar, with threonine, which is neutral and polar, at codon 2115 of the DMD protein (p.Ile2115Thr). This variant is not present in population databases (gnomAD no frequency). This variant has not been reported in the literature in individuals affected with DMD-related conditions. Invitae Evidence Modeling of protein sequence and biophysical properties (such as structural, functional, and spatial information, amino acid conservation, physicochemical variation, residue mobility, and thermodynamic stability) indicates that this missense variant is not expected to disrupt DMD protein function with a negative predictive value of 95%. In summary, the available evidence is currently insufficient to determine the role of this variant in disease. Therefore, it has been classified as a Variant of Uncertain Significance.

NM_004006.3(DMD):c.6344T>C (p.Ile2115Thr)

Gene: DMD (dystrophin; minus strand). Cytogenetic location: Xp21.1.
Variant type: single nucleotide variant.
Coding change: c.6344T>C on transcript NM_004006.3 (MANE Select); coding-DNA position 6344, T replaced by C.
Protein change: p.Ile2115Thr; replaces isoleucine 2115 with threonine.
Molecular consequence: missense variant.
Genome position (GRCh38, 1-based): chrX:32,217,010, A>G on the plus strand (T>C on the coding strand, the complement: DMD is on the minus strand). VCF-style: chrX-32217010-A-G. GRCh37 (hg19) VCF-style: chrX-32235127-A-G.
Other names: c.6320T>C, p.Ile2107Thr (NM_000109.4); c.6332T>C, p.Ile2111Thr (NM_004009.3); c.5975T>C, p.Ile1992Thr (NM_004010.3); c.2321T>C, p.Ile774Thr (NM_004011.4); c.2312T>C, p.Ile771Thr (NM_004012.4); short protein forms I1992T, I2107T, I2111T, I2115T, I771T, I774T.
Identifiers: ClinVar variation 4800954 (VCV004800954.1).